The following is an entry in ClinVar:

NM_021076.4(NEFH):c.968G>C (p.Arg323Pro)

Gene: NEFH (neurofilament heavy chain; plus strand). Cytogenetic location: 22q12.2.
Variant type: single nucleotide variant.
Coding change: c.968G>C on transcript NM_021076.4 (MANE Select); coding-DNA position 968, G replaced by C.
Protein change: p.Arg323Pro; replaces arginine 323 with proline.
Molecular consequence: missense variant.
Genome position (GRCh38, 1-based): chr22:29,483,459, G>C. VCF-style: chr22-29483459-G-C. GRCh37 (hg19) VCF-style: chr22-29879448-G-C.
Other names: short protein forms R323P.
Identifiers: ClinVar variation 1374015 (VCV001374015.6), dbSNP rs756952361, ClinGen allele CA411125203.

ClinVar aggregate classification (germline): Uncertain significance (1 of 4 stars; one submission).

Allele frequency attached by ClinVar (database versions not stated): gnomAD 0.00001.

Submission:

Labcorp Genetics (formerly Invitae), Labcorp
Classification: Uncertain significance. Last evaluated: 2023-05-15. Review status: criteria provided, single submitter. Criteria: Invitae Variant Classification Sherloc (09022015). Collection method: clinical testing. Allele origin: germline.
Comment: In summary, the available evidence is currently insufficient to determine the role of this variant in disease. Therefore, it has been classified as a Variant of Uncertain Significance. This sequence change replaces arginine, which is basic and polar, with proline, which is neutral and non-polar, at codon 323 of the NEFH protein (p.Arg323Pro). This variant is not present in population databases (gnomAD no frequency). This variant has not been reported in the literature in individuals affected with NEFH-related conditions. ClinVar contains an entry for this variant (Variation ID: 1374015). Advanced modeling of protein sequence and biophysical properties (such as structural, functional, and spatial information, amino acid conservation, physicochemical variation, residue mobility, and thermodynamic stability) performed at Invitae indicates that this missense variant is not expected to disrupt NEFH protein function.